The following is an entry in ClinVar:

ClinVar aggregate classification (germline): Uncertain significance. Review status: criteria provided, multiple submitters, no conflicts (2 of 4 stars). 2 submissions from 2 submitters: Uncertain significance (2). Last evaluated 2025-07-11.

Conditions:
CNTN6-related disorder. Also called: CNTN6-related condition.

gnomAD v4.1: 67 of 1,614,004 alleles (0.0042%); highest among the groups gnomAD compares: Admixed American, 0.017%; 1 homozygote.

Submissions (2):

PreventionGenetics, part of Exact Sciences
Classification: Uncertain significance for CNTN6-related condition. Last evaluated: 2025-07-11. Review status: criteria provided, single submitter. Criteria: ACMG Guidelines, 2015. Collection method: clinical testing. Allele origin: germline.
Comment: The CNTN6 c.279A>T variant is predicted to result in the amino acid substitution p.Gln93His. To our knowledge, this variant has not been reported in the literature. This variant is reported in 0.012% of alleles in individuals of African descent in gnomAD. At this time, the clinical significance of this variant is uncertain due to the absence of conclusive functional and genetic evidence.

Ambry Genetics
Classification: Uncertain significance. Last evaluated: 2024-08-27. Review status: criteria provided, single submitter. Criteria: Ambry Variant Classification Scheme 2023. Collection method: clinical testing. Allele origin: germline.

NM_001289080.2(CNTN6):c.279A>T (p.Gln93His)

Gene: CNTN6 (contactin 6; plus strand). Cytogenetic location: 3p26.3.
Variant type: single nucleotide variant.
Coding change: c.279A>T on transcript NM_001289080.2 (MANE Select); coding-DNA position 279, A replaced by T.
Protein change: p.Gln93His; replaces glutamine 93 with histidine.
Molecular consequence: missense variant. On other transcripts: 5 prime UTR variant (4).
Genome position (GRCh38, 1-based): chr3:1,227,914, A>T. VCF-style: chr3-1227914-A-T. GRCh37 (hg19) VCF-style: chr3-1269598-A-T.
Other names: c.279A>T (NM_014461.3); c.63A>T, p.Gln21His (NM_001289081.2); c.279A>T, p.Gln93His (NM_001349350.2, NM_001349351.2, NM_001349352.2 and 7 more transcripts); c.-659A>T (NM_001349359.2); c.-537A>T (NM_001349360.2); c.-839A>T (NM_001349361.2); c.-741A>T (NM_001349362.2); short protein forms Q93H, Q21H.
Identifiers: ClinVar variation 3494684 (VCV003494684.2).
Genomic context (GRCh38, chr3:1,227,914, plus strand): 5'-GAGTTATCACTACAGGTTGGATGGAGGCAGTCTTGCAATCAATAGCCCCCACACAGATCA[A>T]GATATTGGCATGTACCAGTGCCTGGCCACCAATCTTCTGGGGACAATTCTGAGTCGGAAG-3'
Protein context (NP_001276009.1, residues 83-103): SLAINSPHTD[Gln93His]DIGMYQCLAT